The following is an entry in ClinVar:

ClinVar aggregate classification (germline): Pathogenic. Review status: criteria provided, multiple submitters, no conflicts (2 of 4 stars). 2 submissions from 2 submitters: Pathogenic (2). Last evaluated 2022-02-06.

Submissions (2):

Labcorp Genetics (formerly Invitae), Labcorp
Classification: Pathogenic. Last evaluated: 2022-02-06. Review status: criteria provided, single submitter. Criteria: Invitae Variant Classification Sherloc (09022015). Collection method: clinical testing. Allele origin: germline.
Comment: This variant has not been reported in the literature in individuals affected with COL18A1-related conditions. ClinVar contains an entry for this variant (Variation ID: 1013194). For these reasons, this variant has been classified as Pathogenic. This variant is not present in population databases (gnomAD no frequency). This sequence change creates a premature translational stop signal (p.Gln970*) in the COL18A1 gene. It is expected to result in an absent or disrupted protein product. Loss-of-function variants in COL18A1 are known to be pathogenic (PMID: 12415512, 25456301).

CeGaT Center for Human Genetics Tuebingen
Classification: Pathogenic. Last evaluated: 2020-08-01. Review status: criteria provided, single submitter. Criteria: CeGaT Center For Human Genetics Tuebingen Variant Classification Criteria Version 2. Collection method: clinical testing. Allele origin: germline. Affected: yes. Observed: 2 variant alleles.

Literature cited by the submitters: PubMed 12415512 (cited by Labcorp Genetics (formerly Invitae), Labcorp); PubMed 25456301 (cited by Labcorp Genetics (formerly Invitae), Labcorp).

NM_001379500.1(COL18A1):c.2917C>T (p.Gln973Ter)

Genes: COL18A1 (collagen type XVIII alpha 1 chain; plus strand), SLC19A1 (solute carrier family 19 member 1; minus strand). Cytogenetic location: 21q22.3.
Variant type: single nucleotide variant.
Coding change: c.2917C>T on transcript NM_001379500.1 (MANE Select); coding-DNA position 2917, C replaced by T.
Protein change: p.Gln973Ter; replaces glutamine 973 with a stop codon.
Molecular consequence: nonsense.
Genome position (GRCh38, 1-based): chr21:45,505,182, C>T. VCF-style: chr21-45505182-C-T. GRCh37 (hg19) VCF-style: chr21-46925096-C-T.
Other names: c.3448C>T, p.Gln1150Ter (NM_030582.4); c.4153C>T, p.Gln1385Ter (NM_130444.3); short protein forms Q1150*, Q1385*, Q973*.
Identifiers: ClinVar variation 1013194 (VCV001013194.43), dbSNP rs2037117656, ClinGen allele CA410499464.